The following is an entry in ClinVar:

ClinVar aggregate classification (germline): Uncertain significance (1 of 4 stars; one submission).

Submission:

CeGaT Center for Human Genetics Tuebingen
Classification: Uncertain significance. Last evaluated: 2024-11-01. Review status: criteria provided, single submitter. Criteria: CeGaT Center For Human Genetics Tuebingen Variant Classification Criteria Version 2. Collection method: clinical testing. Allele origin: germline. Affected: yes. Observed: 1 variant allele.
Comment: MYH6: PM2, PP3

NM_002471.4(MYH6):c.5312T>C (p.Leu1771Pro)

Gene: MYH6 (myosin heavy chain 6; minus strand). Cytogenetic location: 14q11.2.
Variant type: single nucleotide variant.
Coding change: c.5312T>C on transcript NM_002471.4 (MANE Select); coding-DNA position 5312, T replaced by C.
Protein change: p.Leu1771Pro; replaces leucine 1771 with proline.
Molecular consequence: missense variant.
Genome position (GRCh38, 1-based): chr14:23,384,695, A>G on the plus strand (T>C on the coding strand, the complement: MYH6 is on the minus strand). VCF-style: chr14-23384695-A-G. GRCh37 (hg19) VCF-style: chr14-23853904-A-G.
Other names: short protein forms L1771P.
Identifiers: ClinVar variation 3390155 (VCV003390155.14).